The following is an entry in ClinVar:

ClinVar aggregate classification (germline): Uncertain significance (1 of 4 stars; one submission).

Conditions:
Joubert syndrome 8 (JBTS8). Identifiers: Orphanet 475, MedGen C2676771, MONDO:0012855, OMIM 612291.

Allele frequency attached by ClinVar (database versions not stated): gnomAD below 0.00001 and 0.00002; TOPMed 0.00001; gnomAD exomes 0.00002; ExAC 0.00003; 1000 Genomes Project 30x 0.00031; 1000 Genomes Project 0.00040.
gnomAD v4.1: 13 of 1,545,670 alleles (0.00084%); highest among the groups gnomAD compares: South Asian, 0.013%; no homozygotes.

Submission:

Labcorp Genetics (formerly Invitae), Labcorp
Classification: Uncertain significance for Joubert syndrome 8. Last evaluated: 2022-02-04. Review status: criteria provided, single submitter. Criteria: Invitae Variant Classification Sherloc (09022015). Collection method: clinical testing. Allele origin: germline.
Comment: In summary, the available evidence is currently insufficient to determine the role of this variant in disease. Therefore, it has been classified as a Variant of Uncertain Significance. Variants that disrupt the consensus splice site are a relatively common cause of aberrant splicing (PMID: 17576681, 9536098). Algorithms developed to predict the effect of sequence changes on RNA splicing suggest that this variant may disrupt the consensus splice site. ClinVar contains an entry for this variant (Variation ID: 860194). This variant has not been reported in the literature in individuals affected with ARL13B-related conditions. This variant is present in population databases (rs373375837, gnomAD 0.02%). This sequence change falls in intron 7 of the ARL13B gene. It does not directly change the encoded amino acid sequence of the ARL13B protein. It affects a nucleotide within the consensus splice site.

Literature cited by the submitters: PubMed 17576681; PubMed 9536098.

NM_001174150.2(ARL13B):c.1025-3T>A

Gene: ARL13B (ARF like GTPase 13B; plus strand). Cytogenetic location: 3q11.2.
Variant type: single nucleotide variant.
Coding change: c.1025-3T>A on transcript NM_001174150.2 (MANE Select); 3 bases into the intron before coding-DNA position 1025, T replaced by A.
Molecular consequence: intron variant.
Genome position (GRCh38, 1-based): chr3:94,049,403, T>A. VCF-style: chr3-94049403-T-A. GRCh37 (hg19) VCF-style: chr3-93768247-T-A.
Other names: c.980-3T>A (NM_001321328.2); c.1025-3T>A (NM_182896.3); c.716-3T>A (NM_001174151.2); c.704-3T>A (NM_144996.4).
Identifiers: ClinVar variation 860194 (VCV000860194.5), dbSNP rs373375837, ClinGen allele CA2504245.